The following is an entry in ClinVar:

NM_006204.4(PDE6C):c.1862T>C (p.Leu621Ser)

Gene: PDE6C (phosphodiesterase 6C; plus strand). Cytogenetic location: 10q23.33.
Variant type: single nucleotide variant.
Coding change: c.1862T>C on transcript NM_006204.4 (MANE Select); coding-DNA position 1862, T replaced by C.
Protein change: p.Leu621Ser; replaces leucine 621 with serine.
Molecular consequence: missense variant.
Genome position (GRCh38, 1-based): chr10:93,645,974, T>C. VCF-style: chr10-93645974-T-C. GRCh37 (hg19) VCF-style: chr10-95405731-T-C.
Other names: short protein forms L621S.
Identifiers: ClinVar variation 2840067 (VCV002840067.3), dbSNP rs2492542105, ClinGen allele CA377620822.

ClinVar aggregate classification (germline): Uncertain significance (1 of 4 stars; one submission).

Submission:

Labcorp Genetics (formerly Invitae), Labcorp
Classification: Uncertain significance. Last evaluated: 2024-09-29. Review status: criteria provided, single submitter. Criteria: Invitae Variant Classification Sherloc (09022015). Collection method: clinical testing. Allele origin: germline.
Comment: This sequence change replaces leucine, which is neutral and non-polar, with serine, which is neutral and polar, at codon 621 of the PDE6C protein (p.Leu621Ser). This variant is not present in population databases (gnomAD no frequency). This variant has not been reported in the literature in individuals affected with PDE6C-related conditions. Invitae Evidence Modeling of protein sequence and biophysical properties (such as structural, functional, and spatial information, amino acid conservation, physicochemical variation, residue mobility, and thermodynamic stability) indicates that this missense variant is expected to disrupt PDE6C protein function with a positive predictive value of 80%. In summary, the available evidence is currently insufficient to determine the role of this variant in disease. Therefore, it has been classified as a Variant of Uncertain Significance.